The following is an entry in ClinVar:

ClinVar aggregate classification (germline): Uncertain significance (1 of 4 stars; one submission).

Conditions:
Progressive encephalopathy with leukodystrophy due to DECR deficiency. Identifiers: Orphanet 431361, MedGen C1857252, MONDO:0014464, OMIM 616034.

Allele frequency attached by ClinVar (database versions not stated): gnomAD exomes below 0.00001.
gnomAD v4.1: 2 of 1,556,896 alleles (0.00013%); highest among the groups gnomAD compares: African/African-American, 0.0014%; no homozygotes.

Submission:

Labcorp Genetics (formerly Invitae), Labcorp
Classification: Uncertain significance for Progressive encephalopathy with leukodystrophy due to DECR deficiency. Last evaluated: 2024-02-15. Review status: criteria provided, single submitter. Criteria: Invitae Variant Classification Sherloc (09022015). Collection method: clinical testing. Allele origin: germline.
Comment: This sequence change replaces asparagine, which is neutral and polar, with serine, which is neutral and polar, at codon 358 of the NADK2 protein (p.Asn358Ser). This variant is not present in population databases (gnomAD no frequency). This variant has not been reported in the literature in individuals affected with NADK2-related conditions. ClinVar contains an entry for this variant (Variation ID: 1931694). Advanced modeling of protein sequence and biophysical properties (such as structural, functional, and spatial information, amino acid conservation, physicochemical variation, residue mobility, and thermodynamic stability) performed at Invitae indicates that this missense variant is not expected to disrupt NADK2 protein function with a negative predictive value of 80%. In summary, the available evidence is currently insufficient to determine the role of this variant in disease. Therefore, it has been classified as a Variant of Uncertain Significance.

NM_001085411.3(NADK2):c.1073A>G (p.Asn358Ser)

Gene: NADK2 (NAD kinase 2, mitochondrial; minus strand). Cytogenetic location: 5p13.2.
Variant type: single nucleotide variant.
Coding change: c.1073A>G on transcript NM_001085411.3 (MANE Select); coding-DNA position 1073, A replaced by G.
Protein change: p.Asn358Ser; replaces asparagine 358 with serine.
Molecular consequence: missense variant.
Genome position (GRCh38, 1-based): chr5:36,197,658, T>C on the plus strand (A>G on the coding strand, the complement: NADK2 is on the minus strand). VCF-style: chr5-36197658-T-C. GRCh37 (hg19) VCF-style: chr5-36197760-T-C.
Other names: c.584A>G, p.Asn195Ser (NM_001287340.2, NM_153013.5); c.650A>G, p.Asn217Ser (NM_001287341.2); short protein forms N358S, N195S, N217S.
Identifiers: ClinVar variation 1931694 (VCV001931694.5), dbSNP rs2546163437, ClinGen allele CA359451438.